The following is an entry in ClinVar:

NM_000350.3(ABCA4):c.1641C>T (p.Phe547=)

Gene: ABCA4 (ATP binding cassette subfamily A member 4; minus strand). Cytogenetic location: 1p22.1.
Variant type: single nucleotide variant.
Coding change: c.1641C>T on transcript NM_000350.3 (MANE Select); coding-DNA position 1641, C replaced by T.
Protein change: p.Phe547=; no amino-acid change (phenylalanine 547 retained).
Molecular consequence: synonymous variant.
Genome position (GRCh38, 1-based): chr1:94,063,231, G>A on the plus strand (C>T on the coding strand, the complement: ABCA4 is on the minus strand). VCF-style: chr1-94063231-G-A. GRCh37 (hg19) VCF-style: chr1-94528787-G-A.
Other names: c.1641C>T (NM_000350.2); c.1641C>T, p.Phe547= (NM_001425324.1).
Identifiers: ClinVar variation 1653790 (VCV001653790.9), dbSNP rs1043103980, ClinGen allele CA26848618.

ClinVar aggregate classification (germline): Likely benign. Review status: criteria provided, multiple submitters, no conflicts (2 of 4 stars). 2 submissions from 2 submitters: Likely benign (2). Last evaluated 2026-09-23.

Conditions:
ABCA4-related disorder. Also called: ABCA4-related disorders; ABCA4-related condition. Identifiers: MedGen CN239167.

Allele frequency attached by ClinVar (database versions not stated): gnomAD 0.00001; gnomAD exomes 0.00001; TOPMed 0.00003.
gnomAD v4.1: 18 of 1,614,056 alleles (0.0011%); highest among the groups gnomAD compares: Non-Finnish European, 0.0015%; no homozygotes.

Submissions (2):

PreventionGenetics, part of Exact Sciences
Classification: Likely benign for ABCA4-related condition. Last evaluated: 2026-09-23. Review status: criteria provided, single submitter. Criteria: ACMG Guidelines, 2015. Collection method: clinical testing. Allele origin: germline.
Comment: This variant is classified as likely benign based on ACMG/AMP sequence variant interpretation guidelines (Richards et al. 2015 PMID: 25741868, with internal and published modifications).

Labcorp Genetics (formerly Invitae), Labcorp
Classification: Likely benign. Last evaluated: 2025-07-30. Review status: criteria provided, single submitter. Criteria: Invitae Variant Classification Sherloc (09022015). Collection method: clinical testing. Allele origin: germline.